The following is an entry in ClinVar:

NM_004333.6(BRAF):c.1639A>G (p.Lys547Glu)

Gene: BRAF (B-Raf proto-oncogene, serine/threonine kinase; minus strand). Cytogenetic location: 7q34.
Variant type: single nucleotide variant.
Coding change: c.1639A>G on transcript NM_004333.6 (MANE Select); coding-DNA position 1639, A replaced by G.
Protein change: p.Lys547Glu; replaces lysine 547 with glutamic acid.
Molecular consequence: missense variant.
Genome position (GRCh38, 1-based): chr7:140,776,967, T>C on the plus strand (A>G on the coding strand, the complement: BRAF is on the minus strand). VCF-style: chr7-140776967-T-C. GRCh37 (hg19) VCF-style: chr7-140476767-T-C.
Other names: c.1639A>G, p.Lys547Glu (NM_001354609.2, NM_001378468.1, NM_001378474.1); c.1759A>G, p.Lys587Glu (NM_001374244.1, NM_001374258.1); c.1648A>G, p.Lys550Glu (NM_001378467.1); c.1573A>G, p.Lys525Glu (NM_001378469.1); c.1537A>G, p.Lys513Glu (NM_001378470.1); c.1528A>G, p.Lys510Glu (NM_001378471.1); c.1483A>G, p.Lys495Glu (NM_001378472.1, NM_001378473.1); c.1375A>G, p.Lys459Glu (NM_001378475.1); short protein forms K459E, K495E, K510E, K513E, K525E, K547E, K550E, K587E.
Identifiers: ClinVar variation 5017853 (VCV005017853.1).

ClinVar aggregate classification (germline): Uncertain significance (1 of 4 stars; one submission).

Submission:

GeneDx
Classification: Uncertain significance. Last evaluated: 2026-03-29. Review status: criteria provided, single submitter. Criteria: GeneDx Variant Classification Process June 2021. Collection method: clinical testing. Allele origin: germline.
Comment: Not observed at significant frequency in large population cohorts (gnomAD); Missense variants in this gene are a common cause of disease and they are underrepresented in the general population; In silico analysis supports that this missense variant has a deleterious effect on protein structure/function; Has not been previously published as pathogenic or benign to our knowledge; This variant is associated with the following publications: (PMID: 29493581)